The following is an entry in ClinVar:

NM_003611.3(OFD1):c.2638G>T (p.Glu880Ter)

Gene: OFD1 (OFD1 centriole and centriolar satellite protein; plus strand). Cytogenetic location: Xp22.2.
Variant type: single nucleotide variant.
Coding change: c.2638G>T on transcript NM_003611.3 (MANE Select); coding-DNA position 2638, G replaced by T.
Protein change: p.Glu880Ter; replaces glutamic acid 880 with a stop codon.
Molecular consequence: nonsense.
Genome position (GRCh38, 1-based): chrX:13,767,165, G>T. VCF-style: chrX-13767165-G-T. GRCh37 (hg19) VCF-style: chrX-13785284-G-T.
Other names: c.2518G>T, p.Glu840Ter (NM_001330209.2); c.2218G>T, p.Glu740Ter (NM_001330210.2); short protein forms E740*, E840*, E880*.
Identifiers: ClinVar variation 2431888 (VCV002431888.1), dbSNP rs1019055469, ClinGen allele CA412311309.
Genomic context (GRCh38, chrX:13,767,165, plus strand): 5'-TCTTTATTTTCTGTCCTATTAGGTGTAGATCAGAAACAAATTGAAGAACAAAAGGAAGAA[G>T]AAAAAATACGGGAACAGCAAGTGAAAGAACGAAGGCAGAGAGAAGAAAGAAGGCAGAGTA-3'

ClinVar aggregate classification (germline): Likely pathogenic (1 of 4 stars; one submission).

Conditions:
Simpson-Golabi-Behmel syndrome type 2. Identifiers: Orphanet 79022, MedGen C1846175, MONDO:0010265, OMIM 300209.

Submission:

Laboratorio de Genetica e Diagnostico Molecular, Hospital Israelita Albert Einstein
Classification: Likely pathogenic for Simpson-Golabi-Behmel syndrome type 2. Last evaluated: 2022-08-19. Review status: criteria provided, single submitter. Criteria: ACMG Guidelines, 2015. Collection method: clinical testing. Allele origin: germline. Affected: yes. Observed: 1 variant allele.
Comment: ACMG classification criteria: PVS1 very strong, PM2 moderated